The following is an entry in ClinVar:

NM_030780.5(SLC25A32):c.677A>G (p.Glu226Gly)

Gene: SLC25A32 (solute carrier family 25 member 32; minus strand). Cytogenetic location: 8q22.3.
Variant type: single nucleotide variant.
Coding change: c.677A>G on transcript NM_030780.5 (MANE Select); coding-DNA position 677, A replaced by G.
Protein change: p.Glu226Gly; replaces glutamic acid 226 with glycine.
Molecular consequence: missense variant. On other transcripts: non-coding transcript variant (2).
Genome position (GRCh38, 1-based): chr8:103,401,651, T>C on the plus strand (A>G on the coding strand, the complement: SLC25A32 is on the minus strand). VCF-style: chr8-103401651-T-C. GRCh37 (hg19) VCF-style: chr8-104413879-T-C.
Other names: short protein forms E226G.
Identifiers: ClinVar variation 3692625 (VCV003692625.2).

ClinVar aggregate classification (germline): Uncertain significance (1 of 4 stars; one submission).

gnomAD v4.1: 4 of 1,595,114 alleles (0.00025%); highest among the groups gnomAD compares: Non-Finnish European, 0.00034%; no homozygotes.

Submission:

Labcorp Genetics (formerly Invitae), Labcorp
Classification: Uncertain significance. Last evaluated: 2024-06-29. Review status: criteria provided, single submitter. Criteria: Invitae Variant Classification Sherloc (09022015). Collection method: clinical testing. Allele origin: germline.
Comment: This sequence change replaces glutamic acid, which is acidic and polar, with glycine, which is neutral and non-polar, at codon 226 of the SLC25A32 protein (p.Glu226Gly). This variant is present in population databases (no rsID available, gnomAD 0.007%). This variant has not been reported in the literature in individuals affected with SLC25A32-related conditions. Advanced modeling of protein sequence and biophysical properties (such as structural, functional, and spatial information, amino acid conservation, physicochemical variation, residue mobility, and thermodynamic stability) performed at Invitae indicates that this missense variant is not expected to disrupt SLC25A32 protein function with a negative predictive value of 80%. In summary, the available evidence is currently insufficient to determine the role of this variant in disease. Therefore, it has been classified as a Variant of Uncertain Significance.